The following is an entry in ClinVar:

NM_001080437.3(SNED1):c.3954C>T (p.Asn1318=)

Genes: MTERF4 (mitochondrial transcription termination factor 4; minus strand), SNED1 (sushi, nidogen and EGF like domains 1; plus strand). Cytogenetic location: 2q37.3.
Variant type: single nucleotide variant.
Coding change: c.3954C>T on transcript NM_001080437.3 (MANE Select); coding-DNA position 3954, C replaced by T.
Protein change: p.Asn1318=; no amino-acid change (asparagine 1318 retained).
Molecular consequence: synonymous variant.
Genome position (GRCh38, 1-based): chr2:241,081,714, C>T. VCF-style: chr2-241081714-C-T. GRCh37 (hg19) VCF-style: chr2-242021129-C-T.
Identifiers: ClinVar variation 2652108 (VCV002652108.24), dbSNP rs115670411, ClinGen allele CA2212013.
Genomic context (GRCh38, chr2:241,081,714, plus strand): 5'-CCTCTCGTGACCTCTGTTTCCAGACGTCCCTGGCAACTGTTCAGAAAACCCCTGTCAGAA[C>T]GGAGGCACTTGTGTGCCGGGCGCAGACGCCCACAGCTGTGACTGCGGGCCAGGGTTCAAA-3'
Protein context (NP_001073906.1, residues 1308-1328): PGNCSENPCQ[Asn1318=]GGTCVPGADA

ClinVar aggregate classification (germline): Likely benign (1 of 4 stars; one submission).

Allele frequency attached by ClinVar (database versions not stated): gnomAD 0.00346; gnomAD exomes 0.00410; TOPMed 0.00428; 1000 Genomes Project 0.00240; 1000 Genomes Project 30x 0.00250; ESP Exome Variant Server 0.00329; ExAC 0.00580.
gnomAD v4.1: 6,492 of 1,609,464 alleles (0.4%); highest among the groups gnomAD compares: Admixed American, 0.7%; 18 homozygotes.

Submission:

CeGaT Center for Human Genetics Tuebingen
Classification: Likely benign. Last evaluated: 2023-02-01. Review status: criteria provided, single submitter. Criteria: CeGaT Center For Human Genetics Tuebingen Variant Classification Criteria Version 2. Collection method: clinical testing. Allele origin: germline. Affected: yes. Observed: 1 variant allele.
Comment: SNED1: BP4, BP7, BS2